The following is an entry in ClinVar:

ClinVar aggregate classification (germline): Uncertain significance. Review status: criteria provided, multiple submitters, no conflicts (2 of 4 stars). 2 submissions from 2 submitters: Uncertain significance (2). Last evaluated 2025-03-22.

Allele frequency attached by ClinVar (database versions not stated): ExAC 0.00002; 1000 Genomes Project 30x 0.00016; TOPMed 0.00001; 1000 Genomes Project 0.00020; gnomAD 0.00001.
gnomAD v4.1: 8 of 1,614,202 alleles (0.0005%); highest among the groups gnomAD compares: East Asian, 0.016%; no homozygotes.

Submissions (2):

Labcorp Genetics (formerly Invitae), Labcorp
Classification: Uncertain significance. Last evaluated: 2025-03-22. Review status: criteria provided, single submitter. Criteria: Invitae Variant Classification Sherloc (09022015). Collection method: clinical testing. Allele origin: germline.
Comment: This sequence change replaces asparagine, which is neutral and polar, with serine, which is neutral and polar, at codon 576 of the CEP97 protein (p.Asn576Ser). This variant is present in population databases (rs568481670, gnomAD 0.03%). This variant has not been reported in the literature in individuals affected with CEP97-related conditions. ClinVar contains an entry for this variant (Variation ID: 2507516). Invitae Evidence Modeling of protein sequence and biophysical properties (such as structural, functional, and spatial information, amino acid conservation, physicochemical variation, residue mobility, and thermodynamic stability) indicates that this missense variant is not expected to disrupt CEP97 protein function with a negative predictive value of 80%. In summary, the available evidence is currently insufficient to determine the role of this variant in disease. Therefore, it has been classified as a Variant of Uncertain Significance.

Ambry Genetics
Classification: Uncertain significance. Last evaluated: 2023-06-07. Review status: criteria provided, single submitter. Criteria: Ambry Variant Classification Scheme 2023. Collection method: clinical testing. Allele origin: germline.

NM_024548.4(CEP97):c.1727A>G (p.Asn576Ser)

Gene: CEP97 (centrosomal protein 97; plus strand). Cytogenetic location: 3q12.3.
Variant type: single nucleotide variant.
Coding change: c.1727A>G on transcript NM_024548.4 (MANE Select); coding-DNA position 1727, A replaced by G.
Protein change: p.Asn576Ser; replaces asparagine 576 with serine.
Molecular consequence: missense variant.
Genome position (GRCh38, 1-based): chr3:101,758,333, A>G. VCF-style: chr3-101758333-A-G. GRCh37 (hg19) VCF-style: chr3-101477177-A-G.
Other names: c.1550A>G, p.Asn517Ser (NM_001303401.2); c.1625A>G, p.Asn542Ser (NM_001410784.1); c.1448A>G, p.Asn483Ser (NM_001410785.1); short protein forms N517S, N576S, N542S, N483S.
Identifiers: ClinVar variation 2507516 (VCV002507516.5), dbSNP rs568481670, ClinGen allele CA2522169.